The following is an entry in ClinVar:

ClinVar aggregate classification (germline): Uncertain significance (1 of 4 stars; one submission).

Conditions:
Brown-Vialetto-van Laere syndrome 1. Also called: BROWN-VIALETTO-VAN LAERE SYNDROME 1, MILD; BULBAR PALSY, PROGRESSIVE, WITH SENSORINEURAL DEAFNESS; PONTOBULBAR PALSY WITH DEAFNESS. Identifiers: Orphanet 572550, Orphanet 97229, MedGen C0796274, MONDO:0024537, OMIM 211530.

Allele frequency attached by ClinVar (database versions not stated): gnomAD 0.00001; TOPMed 0.00001.

Submission:

Labcorp Genetics (formerly Invitae), Labcorp
Classification: Uncertain significance for Brown-Vialetto-van Laere syndrome 1. Last evaluated: 2022-04-05. Review status: criteria provided, single submitter. Criteria: Invitae Variant Classification Sherloc (09022015). Collection method: clinical testing. Allele origin: germline.
Comment: This variant has not been reported in the literature in individuals affected with SLC52A3-related conditions. Algorithms developed to predict the effect of missense changes on protein structure and function output the following: SIFT: "Tolerated"; PolyPhen-2: "Benign"; Align-GVGD: "Class C0". The threonine amino acid residue is found in multiple mammalian species, which suggests that this missense change does not adversely affect protein function. In summary, the available evidence is currently insufficient to determine the role of this variant in disease. Therefore, it has been classified as a Variant of Uncertain Significance. This variant is present in population databases (rs752459961, gnomAD 0.0009%). This sequence change replaces alanine, which is neutral and non-polar, with threonine, which is neutral and polar, at codon 188 of the SLC52A3 protein (p.Ala188Thr).

NM_033409.4(SLC52A3):c.562G>A (p.Ala188Thr)

Gene: SLC52A3 (solute carrier family 52 member 3; minus strand). Cytogenetic location: 20p13.
Variant type: single nucleotide variant.
Coding change: c.562G>A on transcript NM_033409.4 (MANE Select); coding-DNA position 562, G replaced by A.
Protein change: p.Ala188Thr; replaces alanine 188 with threonine.
Molecular consequence: missense variant.
Genome position (GRCh38, 1-based): chr20:765,213, C>T on the plus strand (G>A on the coding strand, the complement: SLC52A3 is on the minus strand). VCF-style: chr20-765213-C-T. GRCh37 (hg19) VCF-style: chr20-745857-C-T.
Other names: c.562G>A, p.Ala188Thr (NM_001370085.1, NM_001370086.1); short protein forms A188T.
Identifiers: ClinVar variation 1514557 (VCV001514557.6), dbSNP rs752459961, ClinGen allele CA9724753.